The following is an entry in ClinVar:

ClinVar aggregate classification (germline): Uncertain significance (1 of 4 stars; one submission).

Conditions:
Aicardi-Goutieres syndrome 7 (AGS7). Identifiers: Orphanet 51, MedGen C3888244, MONDO:0014367, OMIM 615846.
Singleton-Merten syndrome 1 (SGMRT1). Also called: Widened medullary cavities of bone, aortic calcification, abnormal dentition, and muscular weakness; Syndrome of widened medullary cavities of the metacarpals and phalanges, aortic calcification and abnormal dentition. Identifiers: Orphanet 85191, MedGen C4225427, MONDO:0024535, OMIM 182250.

Submission:

Labcorp Genetics (formerly Invitae), Labcorp
Classification: Uncertain significance for Aicardi-Goutieres syndrome 7; Singleton-Merten syndrome 1. Last evaluated: 2019-03-22. Review status: criteria provided, single submitter. Criteria: Invitae Variant Classification Sherloc (09022015). Collection method: clinical testing. Allele origin: germline.
Comment: Algorithms developed to predict the effect of missense changes on protein structure and function (SIFT, PolyPhen-2, Align-GVGD) all suggest that this variant is likely to be tolerated, but these predictions have not been confirmed by published functional studies and their clinical significance is uncertain. This sequence change replaces histidine with glutamine at codon 753 of the IFIH1 protein (p.His753Gln). The histidine residue is moderately conserved and there is a small physicochemical difference between histidine and glutamine. This variant is not present in population databases (ExAC no frequency). This variant has not been reported in the literature in individuals with IFIH1-related conditions. In summary, the available evidence is currently insufficient to determine the role of this variant in disease. Therefore, it has been classified as a Variant of Uncertain Significance.

NM_022168.4(IFIH1):c.2259T>G (p.His753Gln)

Gene: IFIH1 (interferon induced with helicase C domain 1; minus strand). Cytogenetic location: 2q24.2.
Variant type: single nucleotide variant.
Coding change: c.2259T>G on transcript NM_022168.4 (MANE Select); coding-DNA position 2259, T replaced by G.
Protein change: p.His753Gln; replaces histidine 753 with glutamine.
Molecular consequence: missense variant.
Genome position (GRCh38, 1-based): chr2:162,276,732, A>C on the plus strand (T>G on the coding strand, the complement: IFIH1 is on the minus strand). VCF-style: chr2-162276732-A-C. GRCh37 (hg19) VCF-style: chr2-163133242-A-C.
Other names: short protein forms H753Q.
Identifiers: ClinVar variation 855667 (VCV000855667.9), dbSNP rs1682675340, ClinGen allele CA348996330.
Genomic context (GRCh38, chr2:162,276,732, plus strand): 5'-AAAGGATATTTATACCTGTGTCATGGGTTTGAACTCACTGCTGTGTCCAGCTCCAATCAG[A>C]TGGTGGGCTTTGACTCCTACTTCAGCAAATTTTTCATTTTCAGTAATCCACTGGGAAAGC-3'
Protein context (NP_071451.2, residues 743-763): KFAEVGVKAH[His753Gln]LIGAGHSSEF